The following is an entry in ClinVar:

NM_001618.4(PARP1):c.339T>C (p.Phe113=)

Gene: PARP1 (poly(ADP-ribose) polymerase 1; minus strand). Cytogenetic location: 1q42.12.
Variant type: single nucleotide variant.
Coding change: c.339T>C on transcript NM_001618.4 (MANE Select); coding-DNA position 339, T replaced by C.
Protein change: p.Phe113=; no amino-acid change (phenylalanine 113 retained).
Molecular consequence: synonymous variant.
Genome position (GRCh38, 1-based): chr1:226,392,262, A>G on the plus strand (T>C on the coding strand, the complement: PARP1 is on the minus strand). VCF-style: chr1-226392262-A-G. GRCh37 (hg19) VCF-style: chr1-226579963-A-G.
Identifiers: ClinVar variation 725933 (VCV000725933.5), dbSNP rs61750986, ClinGen allele CA1423192.
Genomic context (GRCh38, chr1:226,392,262, plus strand): 5'-TTCTATCTTCTCCATACACCCCTTGCACGTACTTCTGTTGGACTTGGCATACTCTGCTGC[A>G]AAGTCACCCAGAGTCTTCTCTGCCTTGCTACCAATTCCATCCTGGCCTTTGCCTGGAGAA-3'
Protein context (NP_001609.2, residues 103-123): GSKAEKTLGD[Phe113=]AAEYAKSNRS

ClinVar aggregate classification (germline): Benign. Review status: criteria provided, single submitter (1 of 4 stars). 2 submissions from 2 submitters: Benign (1). 1 of the submissions does not count toward it. Last evaluated 2018-07-16.

Conditions:
PARP1-related disorder. Also called: PARP1-related condition.

Allele frequency attached by ClinVar (database versions not stated): 1000 Genomes Project 0.00140; 1000 Genomes Project 30x 0.00141; TOPMed 0.00187; gnomAD 0.00205 and 0.00208; gnomAD exomes 0.00241 and 0.00347; ExAC 0.00247; ESP Exome Variant Server 0.00261.
gnomAD v4.1: 5,322 of 1,614,106 alleles (0.33%); highest among the groups gnomAD compares: Non-Finnish European, 0.39%; 18 homozygotes.

Submissions (2):

Labcorp Genetics (formerly Invitae), Labcorp
Classification: Benign. Last evaluated: 2018-07-16. Review status: criteria provided, single submitter. Criteria: Invitae Variant Classification Sherloc (09022015). Collection method: clinical testing. Allele origin: germline.

PreventionGenetics, part of Exact Sciences
Classification: Likely benign for PARP1-related condition. Last evaluated: 2019-02-18. Review status: no assertion criteria provided. Collection method: clinical testing. Allele origin: germline. Not counted in ClinVar's aggregate classification.
Comment: This variant is classified as likely benign based on ACMG/AMP sequence variant interpretation guidelines (Richards et al. 2015 PMID: 25741868, with internal and published modifications).